The following is an entry in ClinVar:

NM_020879.3(CCDC146):c.302del (p.Gln101fs)

Gene: CCDC146 (coiled-coil domain containing 146; plus strand). Cytogenetic location: 7q11.23.
Variant type: Deletion.
Coding change: c.302del on transcript NM_020879.3 (MANE Select); coding-DNA position 302, one base deleted (A; older notation c.302delA).
Protein change: p.Gln101fs; shifts the reading frame from glutamine 101.
Molecular consequence: frameshift variant.
Genome position (GRCh38, 1-based): chr7:77,241,753, A deleted. VCF-style (leftmost placement, unchanged base first): chr7-77241752-CA-C. GRCh37 (hg19) VCF-style: chr7-76871069-CA-C.
Other names: short protein forms Q101fs.
Identifiers: ClinVar variation 5019561 (VCV005019561.2).

ClinVar aggregate classification (germline): Likely pathogenic (1 of 4 stars; one submission).

Conditions:
Spermatogenic failure 94. Identifiers: MedGen C5935627, MONDO:0971002, OMIM 620850.

Submission:

Juno Genomics, Hangzhou Juno Genomics, Inc
Classification: Likely pathogenic for Spermatogenic failure 94. Review status: criteria provided, single submitter. Criteria: ACMG Guidelines, 2015. Collection method: clinical testing. Allele origin: germline.
Comment: Absent from controls (or at extremely low frequency if recessive) in Genome Aggregation Database.;Null variant in a gene where loss of function (LOF) is a known mechanism of disease.